The following is an entry in ClinVar:

NM_024809.5(TCTN2):c.463+145G>A

Gene: TCTN2 (tectonic family member 2; plus strand). Cytogenetic location: 12q24.31.
Variant type: single nucleotide variant.
Coding change: c.463+145G>A on transcript NM_024809.5 (MANE Select); 145 bases into the intron after coding-DNA position 463, G replaced by A.
Molecular consequence: intron variant.
Genome position (GRCh38, 1-based): chr12:123,673,955, G>A. VCF-style: chr12-123673955-G-A. GRCh37 (hg19) VCF-style: chr12-124158502-G-A.
Other names: c.460+145G>A (NM_001143850.3).
Identifiers: ClinVar variation 672228 (VCV000672228.1), dbSNP rs7963498, ClinGen allele CA13605532.

ClinVar aggregate classification (germline): Benign (1 of 4 stars; one submission).

Allele frequency attached by ClinVar (database versions not stated): 1000 Genomes Project 0.27177; 1000 Genomes Project 30x 0.27639; gnomAD exomes 0.34002; gnomAD 0.35697 and 0.36411; TOPMed 0.35697.
gnomAD v4.1: 266,373 of 774,996 alleles (34%); highest among the groups gnomAD compares: African/African-American, 41%; 49,155 homozygotes.

Submission:

GeneDx
Classification: Benign. Last evaluated: 2018-06-14. Review status: criteria provided, single submitter. Criteria: GeneDx Variant Classification (06012015). Collection method: clinical testing. Allele origin: germline. Affected: yes.
Comment: This variant is considered likely benign or benign based on one or more of the following criteria: it is a conservative change, it occurs at a poorly conserved position in the protein, it is predicted to be benign by multiple in silico algorithms, and/or has population frequency not consistent with disease.